The following is an entry in ClinVar:

NM_005739.4(RASGRP1):c.397A>G (p.Ile133Val)

Gene: RASGRP1 (RAS guanyl releasing protein 1; minus strand). Cytogenetic location: 15q14.
Variant type: single nucleotide variant.
Coding change: c.397A>G on transcript NM_005739.4 (MANE Select); coding-DNA position 397, A replaced by G.
Protein change: p.Ile133Val; replaces isoleucine 133 with valine.
Molecular consequence: missense variant.
Genome position (GRCh38, 1-based): chr15:38,518,416, T>C on the plus strand (A>G on the coding strand, the complement: RASGRP1 is on the minus strand). VCF-style: chr15-38518416-T-C. GRCh37 (hg19) VCF-style: chr15-38810617-T-C.
Other names: c.397A>G, p.Ile133Val (NM_001128602.2, NM_001306086.2); short protein forms I133V.
Identifiers: ClinVar variation 2125469 (VCV002125469.4), dbSNP rs2542918608, ClinGen allele CA391655985.

ClinVar aggregate classification (germline): Uncertain significance (1 of 4 stars; one submission).

Submission:

Labcorp Genetics (formerly Invitae), Labcorp
Classification: Uncertain significance. Last evaluated: 2022-04-12. Review status: criteria provided, single submitter. Criteria: Invitae Variant Classification Sherloc (09022015). Collection method: clinical testing. Allele origin: germline.
Comment: This variant is not present in population databases (gnomAD no frequency). This sequence change replaces isoleucine, which is neutral and non-polar, with valine, which is neutral and non-polar, at codon 133 of the RASGRP1 protein (p.Ile133Val). This variant has not been reported in the literature in individuals affected with RASGRP1-related conditions. In summary, the available evidence is currently insufficient to determine the role of this variant in disease. Therefore, it has been classified as a Variant of Uncertain Significance. Algorithms developed to predict the effect of missense changes on protein structure and function (SIFT, PolyPhen-2, Align-GVGD) all suggest that this variant is likely to be tolerated.